The following is an entry in ClinVar:

NM_002506.3(NGF):c.4T>C (p.Ser2Pro)

Genes: NGF-AS1 (NGF antisense RNA 1; plus strand), NGF (nerve growth factor; minus strand). Cytogenetic location: 1p13.2.
Variant type: single nucleotide variant.
Coding change: c.4T>C on transcript NM_002506.3 (MANE Select); coding-DNA position 4, T replaced by C.
Protein change: p.Ser2Pro; replaces serine 2 with proline.
Molecular consequence: missense variant.
Genome position (GRCh38, 1-based): chr1:115,286,792, A>G on the plus strand (T>C on the coding strand, the complement: NGF is on the minus strand). VCF-style: chr1-115286792-A-G. GRCh37 (hg19) VCF-style: chr1-115829413-A-G.
Other names: short protein forms S2P.
Identifiers: ClinVar variation 526745 (VCV000526745.10), dbSNP rs1553234838, ClinGen allele CA341837445.

ClinVar aggregate classification (germline): Uncertain significance (1 of 4 stars; one submission).

Conditions:
Congenital sensory neuropathy with selective loss of small myelinated fibers (HSAN5). Also called: HSAN Type V. Identifiers: Orphanet 64752, MedGen C0020075, MONDO:0012092, OMIM 608654.

Submission:

Labcorp Genetics (formerly Invitae), Labcorp
Classification: Uncertain significance for Congenital sensory neuropathy with selective loss of small myelinated fibers. Last evaluated: 2022-06-04. Review status: criteria provided, single submitter. Criteria: Invitae Variant Classification Sherloc (09022015). Collection method: clinical testing. Allele origin: germline.
Comment: This sequence change replaces serine, which is neutral and polar, with proline, which is neutral and non-polar, at codon 2 of the NGF protein (p.Ser2Pro). This variant is not present in population databases (gnomAD no frequency). In summary, the available evidence is currently insufficient to determine the role of this variant in disease. Therefore, it has been classified as a Variant of Uncertain Significance. Algorithms developed to predict the effect of missense changes on protein structure and function are either unavailable or do not agree on the potential impact of this missense change (SIFT: "Deleterious"; PolyPhen-2: "Probably Damaging"; Align-GVGD: "Class C0"). ClinVar contains an entry for this variant (Variation ID: 526745). This variant has not been reported in the literature in individuals affected with NGF-related conditions.